The following is an entry in ClinVar:

ClinVar aggregate classification (germline): Conflicting classifications of pathogenicity. Review status: criteria provided, conflicting classifications (1 of 4 stars). 2 submissions from 2 submitters: Uncertain significance (1); Likely benign (1). Last evaluated 2024-02-23.

Allele frequency attached by ClinVar (database versions not stated): gnomAD 0.00001; TOPMed 0.00001.
gnomAD v4.1: 7 of 1,550,210 alleles (0.00045%); highest among the groups gnomAD compares: African/African-American, 0.0014%; no homozygotes.

Submissions (2):

Labcorp Genetics (formerly Invitae), Labcorp
Classification: Likely benign. Last evaluated: 2024-02-23. Review status: criteria provided, single submitter. Criteria: Invitae Variant Classification Sherloc (09022015). Collection method: clinical testing. Allele origin: germline.

GeneDx
Classification: Uncertain significance. Last evaluated: 2022-12-30. Review status: criteria provided, single submitter. Criteria: GeneDx Variant Classification Process June 2021. Collection method: clinical testing. Allele origin: germline. Affected: yes.
Comment: Not observed at significant frequency in large population cohorts (gnomAD); In silico analysis suggests this variant may impact gene splicing. In the absence of RNA/functional studies, the actual effect of this sequence change is unknown.; Has not been previously published as pathogenic or benign to our knowledge

NM_001195263.2(PDZD7):c.1722G>A (p.Val574=)

Gene: PDZD7 (PDZ domain containing 7; minus strand). Cytogenetic location: 10q24.31.
Variant type: single nucleotide variant.
Coding change: c.1722G>A on transcript NM_001195263.2 (MANE Select); coding-DNA position 1722, G replaced by A.
Protein change: p.Val574=; no amino-acid change (valine 574 retained).
Molecular consequence: synonymous variant.
Genome position (GRCh38, 1-based): chr10:101,015,663, C>T on the plus strand (G>A on the coding strand, the complement: PDZD7 is on the minus strand). VCF-style: chr10-101015663-C-T. GRCh37 (hg19) VCF-style: chr10-102775420-C-T.
Other names: c.1722G>A (NM_001195263.1).
Identifiers: ClinVar variation 1535361 (VCV001535361.8), dbSNP rs919717592, ClinGen allele CA212981928.